The following is an entry in ClinVar:

NM_000051.4(ATM):c.8434T>C (p.Ser2812Pro)

Genes: ATM (ATM serine/threonine kinase; plus strand), C11orf65 (chromosome 11 open reading frame 65; minus strand). Cytogenetic location: 11q22.3.
Variant type: single nucleotide variant.
Coding change: c.8434T>C on transcript NM_000051.4 (MANE Select); coding-DNA position 8434, T replaced by C.
Protein change: p.Ser2812Pro; replaces serine 2812 with proline.
Molecular consequence: missense variant. On other transcripts: intron variant (2).
Genome position (GRCh38, 1-based): chr11:108,345,758, T>C. VCF-style: chr11-108345758-T-C. GRCh37 (hg19) VCF-style: chr11-108216485-T-C.
Other names: c.8434T>C, p.Ser2812Pro (NM_001351834.2); c.641-36687A>G (NM_001330368.2); c.695-10466A>G (NM_001351110.2); short protein forms S2812P.
Identifiers: ClinVar variation 185684 (VCV000185684.17), dbSNP rs786202372, ClinGen allele CA192613.

ClinVar aggregate classification (germline): Uncertain significance. Review status: criteria provided, multiple submitters, no conflicts (2 of 4 stars). 5 submissions from 5 submitters: Uncertain significance (5). Last evaluated 2024-12-14.

Conditions:
Hereditary cancer-predisposing syndrome. Also called: Hereditary Cancer Syndrome; Tumor predisposition; Neoplastic Syndromes, Hereditary; Hereditary neoplastic syndrome. Identifiers: Orphanet 140162, MedGen C0027672, MeSH D009386, MONDO:0015356.
Familial cancer of breast. Also called: hereditary breast carcinoma; BREAST CANCER, FAMILIAL; Hereditary breast cancer. Identifiers: Orphanet 227535, MedGen C0346153, MONDO:0016419, OMIM 114480. Disease mechanism: loss of function.
Ataxia-telangiectasia syndrome (AT). Also called: ATAXIA-TELANGIECTASIA, COMPLEMENTATION GROUP A; ATAXIA-TELANGIECTASIA, FRESNO VARIANT; Ataxia-telangiectasia; Ataxia-telangiectasia, complementation group E; Cerebello-oculocutaneous telangiectasia; Immunodeficiency with ataxia telangiectasia. Identifiers: Orphanet 100, MedGen C0004135, MONDO:0008840, OMIM 208900.

Allele frequency attached by ClinVar (database versions not stated): TOPMed 0.00001.

Submissions (5):

Labcorp Genetics (formerly Invitae), Labcorp
Classification: Uncertain significance for Ataxia-telangiectasia syndrome. Last evaluated: 2024-12-14. Review status: criteria provided, single submitter. Criteria: Invitae Variant Classification Sherloc (09022015). Collection method: clinical testing. Allele origin: germline.
Comment: This sequence change replaces serine, which is neutral and polar, with proline, which is neutral and non-polar, at codon 2812 of the ATM protein (p.Ser2812Pro). This variant is not present in population databases (gnomAD no frequency). This variant has not been reported in the literature in individuals affected with ATM-related conditions. ClinVar contains an entry for this variant (Variation ID: 185684). Invitae Evidence Modeling of protein sequence and biophysical properties (such as structural, functional, and spatial information, amino acid conservation, physicochemical variation, residue mobility, and thermodynamic stability) indicates that this missense variant is not expected to disrupt ATM protein function with a negative predictive value of 95%. In summary, the available evidence is currently insufficient to determine the role of this variant in disease. Therefore, it has been classified as a Variant of Uncertain Significance.

Ambry Genetics
Classification: Uncertain significance for Hereditary cancer-predisposing syndrome. Last evaluated: 2024-05-08. Review status: criteria provided, single submitter. Criteria: Ambry Variant Classification Scheme 2023. Collection method: clinical testing. Allele origin: germline.

GeneDx
Classification: Uncertain significance. Last evaluated: 2024-01-29. Review status: criteria provided, single submitter. Criteria: GeneDx Variant Classification Process June 2021. Collection method: clinical testing. Allele origin: germline. Affected: yes.
Comment: Not observed at significant frequency in large population cohorts (gnomAD); In silico analysis supports that this missense variant does not alter protein structure/function; Has not been previously published as pathogenic or benign to our knowledge; This variant is associated with the following publications: (PMID: 23532176)

Baylor Genetics
Classification: Uncertain significance for Familial cancer of breast. Last evaluated: 2024-01-22. Review status: criteria provided, single submitter. Criteria: ACMG Guidelines, 2015. Collection method: clinical testing. Allele origin: unknown.

Sema4
Classification: Uncertain significance for Hereditary cancer-predisposing syndrome. Last evaluated: 2021-08-11. Review status: criteria provided, single submitter. Criteria: Sema4 Curation Guidelines. Collection method: curation. Allele origin: germline.
Comment: To the best of our knowledge, the ATM c.8434T>C (p.S2812P) variant has not been reported in individuals with ATM-related disease. This variant is not reported in the population database Genome Aggregation Database (PMID: 32461654). This variant has been reported in ClinVar (Variation ID: 185684). Functional studies have not been performed, and in silico predictions of the variant's effect on protein function are inconclusive. The evidence is insufficient to meet ACMG/AMP criteria for classifying the variant as benign or pathogenic. Thus, the clinical significance of this variant is currently uncertain.